The following is an entry in ClinVar:

NM_001367534.1(CAMK2G):c.1181A>G (p.Asn394Ser)

Gene: CAMK2G (calcium/calmodulin dependent protein kinase II gamma; minus strand). Cytogenetic location: 10q22.2.
Variant type: single nucleotide variant.
Coding change: c.1181A>G on transcript NM_001367534.1 (MANE Select); coding-DNA position 1181, A replaced by G.
Protein change: p.Asn394Ser; replaces asparagine 394 with serine.
Molecular consequence: missense variant. On other transcripts: non-coding transcript variant (8), intron variant (1).
Genome position (GRCh38, 1-based): chr10:73,824,059, T>C on the plus strand (A>G on the coding strand, the complement: CAMK2G is on the minus strand). VCF-style: chr10-73824059-T-C. GRCh37 (hg19) VCF-style: chr10-75583817-T-C.
Other names: c.1148A>G, p.Asn383Ser (NM_001367521.1, NM_001367544.1, NM_001204492.2); c.1049A>G, p.Asn350Ser (NM_001367522.1, NM_001367530.1, NM_001367518.1 and 1 more transcripts); c.1112A>G, p.Asn371Ser (NM_001367523.1, NM_001367546.1, NM_001367547.1 and 2 more transcripts); c.866A>G, p.Asn289Ser (NM_001367524.1); c.1061A>G, p.Asn354Ser (NM_001367525.1, NM_001367514.1, NM_001367532.1); c.1085A>G, p.Asn362Ser (NM_001367526.1, NM_001367529.1, NM_172170.5 and 4 more transcripts); c.1079A>G, p.Asn360Ser (NM_001367527.1); c.1016A>G, p.Asn339Ser (NM_001367528.1, NM_001367541.1, NM_001367545.1 and 1 more transcripts); and 9 more; short protein forms N235S, N289S, N354S, N280S, N339S, N362S, N373S, N380S.
Identifiers: ClinVar variation 2251970 (VCV002251970.4), dbSNP rs2090083855, ClinGen allele CA377301193.

ClinVar aggregate classification (germline): Uncertain significance. Review status: criteria provided, multiple submitters, no conflicts (2 of 4 stars). 2 submissions from 2 submitters: Uncertain significance (2). Last evaluated 2026-02-25.

Allele frequency attached by ClinVar (database versions not stated): TOPMed below 0.00001.
gnomAD v4.1: 1 of 1,613,628 alleles (0.000062%); no homozygotes.

Submissions (2):

Dasa
Classification: Uncertain significance. Last evaluated: 2026-02-25. Review status: criteria provided, single submitter. Criteria: DASA Assertion Criteria. Collection method: clinical testing. Allele origin: germline.
Comment: NM_001367534.1(CAMK2G):c.1181A>G (p.Asn394Ser) is a missense variant that results in the substitution of asparagine with serine. This variant is rare in population databases. Computational prediction algorithms are consistent with a benign effect. The currently available literature and clinical evidence are not sufficient to establish a definitive association between this variant and the reported condition. Therefore, this variant is classified as a variant of uncertain significance.

Ambry Genetics
Classification: Uncertain significance. Last evaluated: 2021-09-17. Review status: criteria provided, single submitter. Criteria: Ambry Variant Classification Scheme 2023. Collection method: clinical testing. Allele origin: germline.